The following is an entry in ClinVar:

NM_002691.4(POLD1):c.2786C>G (p.Ala929Gly)

Gene: POLD1 (DNA polymerase delta 1, catalytic subunit; plus strand). Cytogenetic location: 19q13.33.
Variant type: single nucleotide variant.
Coding change: c.2786C>G on transcript NM_002691.4 (MANE Select); coding-DNA position 2786, C replaced by G.
Protein change: p.Ala929Gly; replaces alanine 929 with glycine.
Molecular consequence: missense variant.
Genome position (GRCh38, 1-based): chr19:50,415,792, C>G. VCF-style: chr19-50415792-C-G. GRCh37 (hg19) VCF-style: chr19-50919049-C-G.
Other names: c.2786C>G, p.Ala929Gly (NM_001256849.1); c.2864C>G, p.Ala955Gly (NM_001308632.1); short protein forms A929G, A955G.
Identifiers: ClinVar variation 1047085 (VCV001047085.10), dbSNP rs1023479909, ClinGen allele CA309605147.
Genomic context (GRCh38, chr19:50,415,792, plus strand): 5'-AGCGGGACCCCGGGAGTGCGCCCAGCCTGGGCGACCGCGTCCCCTACGTGATCATCAGTG[C>G]CGCCAAGGGTGTGGCCGCCTACATGAAGTCGGAGGTCAGGCCCACCTGGCTGCCTGCTCC-3'
Protein context (NP_002682.2, residues 919-939): GDRVPYVIIS[Ala929Gly]AKGVAAYMKS

ClinVar aggregate classification (germline): Uncertain significance. Review status: criteria provided, multiple submitters, no conflicts (2 of 4 stars). 2 submissions from 2 submitters: Uncertain significance (2). Last evaluated 2025-06-22.

Conditions:
Hereditary cancer-predisposing syndrome. Also called: Tumor predisposition; Hereditary Cancer Syndrome; Hereditary neoplastic syndrome; Neoplastic Syndromes, Hereditary. Identifiers: Orphanet 140162, MedGen C0027672, MeSH D009386, MONDO:0015356.
POLD1-related polyposis and colorectal cancer syndrome (CRCS10). Also called: Colorectal cancer 10; COLORECTAL CANCER, SUSCEPTIBILITY TO, ON CHROMOSOME 19q; Colorectal cancer, susceptibility to, 10. Identifiers: Orphanet 220460, MedGen C2675481, MONDO:0012953, OMIM 612591.

Allele frequency attached by ClinVar (database versions not stated): TOPMed below 0.00001; gnomAD 0.00001; gnomAD exomes 0.00001.

Submissions (2):

Ambry Genetics
Classification: Uncertain significance for Hereditary cancer-predisposing syndrome. Last evaluated: 2025-06-22. Review status: criteria provided, single submitter. Criteria: Ambry Variant Classification Scheme 2023. Collection method: clinical testing. Allele origin: germline.
Comment: The p.A929G variant (also known as c.2786C>G), located in coding exon 21 of the POLD1 gene, results from a C to G substitution at nucleotide position 2786. The alanine at codon 929 is replaced by glycine, an amino acid with similar properties. This amino acid position is conserved. In addition, this alteration is predicted to be tolerated by in silico analysis. Since supporting evidence is limited at this time, the clinical significance of this alteration remains unclear.

Labcorp Genetics (formerly Invitae), Labcorp
Classification: Uncertain significance for POLD1-related polyposis and colorectal cancer syndrome. Last evaluated: 2024-12-10. Review status: criteria provided, single submitter. Criteria: Invitae Variant Classification Sherloc (09022015). Collection method: clinical testing. Allele origin: germline.
Comment: This sequence change replaces alanine, which is neutral and non-polar, with glycine, which is neutral and non-polar, at codon 929 of the POLD1 protein (p.Ala929Gly). The frequency data for this variant in the population databases is considered unreliable, as metrics indicate poor data quality at this position in the gnomAD database. This variant has not been reported in the literature in individuals affected with POLD1-related conditions. ClinVar contains an entry for this variant (Variation ID: 1047085). Invitae Evidence Modeling of protein sequence and biophysical properties (such as structural, functional, and spatial information, amino acid conservation, physicochemical variation, residue mobility, and thermodynamic stability) indicates that this missense variant is not expected to disrupt POLD1 protein function with a negative predictive value of 80%. In summary, the available evidence is currently insufficient to determine the role of this variant in disease. Therefore, it has been classified as a Variant of Uncertain Significance.